The following is an entry in ClinVar:

NM_001130144.3(LTBP3):c.473T>G (p.Leu158Arg)

Gene: LTBP3 (latent transforming growth factor beta binding protein 3; minus strand). Cytogenetic location: 11q13.1.
Variant type: single nucleotide variant.
Coding change: c.473T>G on transcript NM_001130144.3 (MANE Select); coding-DNA position 473, T replaced by G.
Protein change: p.Leu158Arg; replaces leucine 158 with arginine.
Molecular consequence: missense variant.
Genome position (GRCh38, 1-based): chr11:65,554,239, A>C on the plus strand (T>G on the coding strand, the complement: LTBP3 is on the minus strand). VCF-style: chr11-65554239-A-C. GRCh37 (hg19) VCF-style: chr11-65321710-A-C.
Other names: c.122T>G, p.Leu41Arg (NM_001164266.1); c.473T>G, p.Leu158Arg (NM_021070.4); short protein forms L158R, L41R.
Identifiers: ClinVar variation 2625057 (VCV002625057.2), dbSNP rs2496178173, ClinGen allele CA381276550.

ClinVar aggregate classification (germline): Uncertain significance (1 of 4 stars; one submission).

Conditions:
Inborn genetic diseases. Identifiers: MedGen C0950123, MeSH D030342.

Submission:

Ambry Genetics
Classification: Uncertain significance for Inborn genetic diseases. Last evaluated: 2023-07-21. Review status: criteria provided, single submitter. Criteria: Ambry Variant Classification Scheme 2023. Collection method: clinical testing. Allele origin: germline.
Comment: The p.L158R variant (also known as c.473T>G), located in coding exon 2 of the LTBP3 gene, results from a T to G substitution at nucleotide position 473. The leucine at codon 158 is replaced by arginine, an amino acid with dissimilar properties. This amino acid position is conserved. In addition, this alteration is predicted to be tolerated by in silico analysis. Since supporting evidence is limited at this time, the clinical significance of this alteration remains unclear.